The following is an entry in ClinVar:

NM_001128148.3(TFRC):c.1444A>G (p.Ile482Val)

Gene: TFRC (transferrin receptor; minus strand). Cytogenetic location: 3q29.
Variant type: single nucleotide variant.
Coding change: c.1444A>G on transcript NM_001128148.3 (MANE Select); coding-DNA position 1444, A replaced by G.
Protein change: p.Ile482Val; replaces isoleucine 482 with valine.
Molecular consequence: missense variant.
Genome position (GRCh38, 1-based): chr3:196,062,606, T>C on the plus strand (A>G on the coding strand, the complement: TFRC is on the minus strand). VCF-style: chr3-196062606-T-C. GRCh37 (hg19) VCF-style: chr3-195789477-T-C.
Other names: c.1201A>G, p.Ile401Val (NM_001313965.2); c.598A>G, p.Ile200Val (NM_001313966.2); c.1444A>G, p.Ile482Val (NM_003234.4); short protein forms I200V, I401V, I482V.
Identifiers: ClinVar variation 4808313 (VCV004808313.1).

ClinVar aggregate classification (germline): Uncertain significance (1 of 4 stars; one submission).

Submission:

Labcorp Genetics (formerly Invitae), Labcorp
Classification: Uncertain significance. Last evaluated: 2025-04-30. Review status: criteria provided, single submitter. Criteria: Invitae Variant Classification Sherloc (09022015). Collection method: clinical testing. Allele origin: germline.
Comment: This sequence change replaces isoleucine, which is neutral and non-polar, with valine, which is neutral and non-polar, at codon 482 of the TFRC protein (p.Ile482Val). This variant is not present in population databases (gnomAD no frequency). This variant has not been reported in the literature in individuals affected with TFRC-related conditions. Invitae Evidence Modeling of protein sequence and biophysical properties (such as structural, functional, and spatial information, amino acid conservation, physicochemical variation, residue mobility, and thermodynamic stability) indicates that this missense variant is not expected to disrupt TFRC protein function with a negative predictive value of 80%. In summary, the available evidence is currently insufficient to determine the role of this variant in disease. Therefore, it has been classified as a Variant of Uncertain Significance.